The following is an entry in ClinVar:

NM_017947.4(MOCOS):c.739C>G (p.Pro247Ala)

Gene: MOCOS (molybdenum cofactor sulfurase; plus strand). Cytogenetic location: 18q12.2.
Variant type: single nucleotide variant.
Coding change: c.739C>G on transcript NM_017947.4 (MANE Select); coding-DNA position 739, C replaced by G.
Protein change: p.Pro247Ala; replaces proline 247 with alanine.
Molecular consequence: missense variant.
Genome position (GRCh38, 1-based): chr18:36,200,122, C>G. VCF-style: chr18-36200122-C-G. GRCh37 (hg19) VCF-style: chr18-33780085-C-G.
Other names: short protein forms P247A.
Identifiers: ClinVar variation 2127039 (VCV002127039.4), dbSNP rs1314844068, ClinGen allele CA402214686.

ClinVar aggregate classification (germline): Uncertain significance (1 of 4 stars; one submission).

Conditions:
Xanthinuria type II. Also called: Xanthine dehydrogenase and aldehyde oxidase combined deficiency of; XDH and AOX dual deficiency. Identifiers: Orphanet 3467, Orphanet 93602, MedGen C1863688, MONDO:0011346, OMIM 603592.

Allele frequency attached by ClinVar (database versions not stated): gnomAD exomes below 0.00001.
gnomAD v4.1: 1 of 1,614,222 alleles (0.000062%); highest among the groups gnomAD compares: Non-Finnish European, 0.000085%; no homozygotes.

Submission:

Labcorp Genetics (formerly Invitae), Labcorp
Classification: Uncertain significance for Xanthinuria type II. Last evaluated: 2022-04-16. Review status: criteria provided, single submitter. Criteria: Invitae Variant Classification Sherloc (09022015). Collection method: clinical testing. Allele origin: germline.
Comment: This sequence change replaces proline, which is neutral and non-polar, with alanine, which is neutral and non-polar, at codon 247 of the MOCOS protein (p.Pro247Ala). This variant is present in population databases (no rsID available, gnomAD 0.0009%). This variant has not been reported in the literature in individuals affected with MOCOS-related conditions. Algorithms developed to predict the effect of missense changes on protein structure and function (SIFT, PolyPhen-2, Align-GVGD) all suggest that this variant is likely to be tolerated. In summary, the available evidence is currently insufficient to determine the role of this variant in disease. Therefore, it has been classified as a Variant of Uncertain Significance.